The following is an entry in ClinVar:

ClinVar aggregate classification (germline): Uncertain significance. Review status: criteria provided, multiple submitters, no conflicts (2 of 4 stars). 2 submissions from 2 submitters: Uncertain significance (2). Last evaluated 2025-01-23.

Conditions:
Inborn genetic diseases. Identifiers: MedGen C0950123, MeSH D030342.

Allele frequency attached by ClinVar (database versions not stated): gnomAD 0.00001; TOPMed 0.00001; ExAC 0.00002.
gnomAD v4.1: 20 of 1,613,940 alleles (0.0012%); highest among the groups gnomAD compares: South Asian, 0.0022%; no homozygotes.

Submissions (2):

Ambry Genetics
Classification: Uncertain significance for Inborn genetic diseases. Last evaluated: 2025-01-23. Review status: criteria provided, single submitter. Criteria: Ambry Variant Classification Scheme 2023. Collection method: clinical testing. Allele origin: germline.

Labcorp Genetics (formerly Invitae), Labcorp
Classification: Uncertain significance. Last evaluated: 2022-02-05. Review status: criteria provided, single submitter. Criteria: Invitae Variant Classification Sherloc (09022015). Collection method: clinical testing. Allele origin: germline.
Comment: This sequence change replaces alanine, which is neutral and non-polar, with threonine, which is neutral and polar, at codon 2016 of the LRP2 protein (p.Ala2016Thr). This variant is present in population databases (rs777981414, gnomAD 0.005%). This variant has not been reported in the literature in individuals affected with LRP2-related conditions. Advanced modeling of protein sequence and biophysical properties (such as structural, functional, and spatial information, amino acid conservation, physicochemical variation, residue mobility, and thermodynamic stability) performed at Invitae indicates that this missense variant is not expected to disrupt LRP2 protein function. In summary, the available evidence is currently insufficient to determine the role of this variant in disease. Therefore, it has been classified as a Variant of Uncertain Significance.

NM_004525.3(LRP2):c.6046G>A (p.Ala2016Thr)

Gene: LRP2 (LDL receptor related protein 2; minus strand). Cytogenetic location: 2q31.1.
Variant type: single nucleotide variant.
Coding change: c.6046G>A on transcript NM_004525.3 (MANE Select); coding-DNA position 6046, G replaced by A.
Protein change: p.Ala2016Thr; replaces alanine 2016 with threonine.
Molecular consequence: missense variant.
Genome position (GRCh38, 1-based): chr2:169,212,202, C>T on the plus strand (G>A on the coding strand, the complement: LRP2 is on the minus strand). VCF-style: chr2-169212202-C-T. GRCh37 (hg19) VCF-style: chr2-170068712-C-T.
Other names: c.6046G>A (NM_004525.2); short protein forms A2016T.
Identifiers: ClinVar variation 1984303 (VCV001984303.2), dbSNP rs777981414, ClinGen allele CA1954366.